The following is an entry in ClinVar:

NM_000101.4(CYBA):c.240C>A (p.Phe80Leu)

Gene: CYBA (cytochrome b-245 alpha chain; minus strand). Cytogenetic location: 16q24.2.
Variant type: single nucleotide variant.
Coding change: c.240C>A on transcript NM_000101.4 (MANE Select); coding-DNA position 240, C replaced by A.
Protein change: p.Phe80Leu; replaces phenylalanine 80 with leucine.
Molecular consequence: missense variant.
Genome position (GRCh38, 1-based): chr16:88,646,802, G>T on the plus strand (C>A on the coding strand, the complement: CYBA is on the minus strand). VCF-style: chr16-88646802-G-T. GRCh37 (hg19) VCF-style: chr16-88713210-G-T.
Other names: short protein forms F80L.
Identifiers: ClinVar variation 1478838 (VCV001478838.8), dbSNP rs373948664, ClinGen allele CA397064462.

ClinVar aggregate classification (germline): Uncertain significance (1 of 4 stars; one submission).

Conditions:
Granulomatous disease, chronic, autosomal recessive, cytochrome b-negative. Also called: CGD DUE TO DEFICIENCY OF THE ALPHA SUBUNIT OF CYTOCHROME b; CGD, AUTOSOMAL RECESSIVE CYTOCHROME b-NEGATIVE; CYBA DEFICIENCY; GRANULOMATOUS DISEASE, CHRONIC, AUTOSOMAL RECESSIVE, 4; Chronic granulomatous disease, autosomal, due to deficiency of CYBA. Identifiers: Orphanet 379, MedGen C1856255, MONDO:0009308, OMIM 233690.

Submission:

Labcorp Genetics (formerly Invitae), Labcorp
Classification: Uncertain significance for Granulomatous disease, chronic, autosomal recessive, cytochrome b-negative. Last evaluated: 2021-04-03. Review status: criteria provided, single submitter. Criteria: Invitae Variant Classification Sherloc (09022015). Collection method: clinical testing. Allele origin: germline.
Comment: This variant has not been reported in the literature in individuals with CYBA-related conditions. This variant is not present in population databases (ExAC no frequency). This sequence change replaces phenylalanine with leucine at codon 80 of the CYBA protein (p.Phe80Leu). The phenylalanine residue is highly conserved and there is a small physicochemical difference between phenylalanine and leucine. Algorithms developed to predict the effect of missense changes on protein structure and function output the following: SIFT: "Tolerated"; PolyPhen-2: "Benign"; Align-GVGD: "Class C0". The leucine amino acid residue is found in multiple mammalian species, suggesting that this missense change does not adversely affect protein function. These predictions have not been confirmed by published functional studies and their clinical significance is uncertain. In summary, the available evidence is currently insufficient to determine the role of this variant in disease. Therefore, it has been classified as a Variant of Uncertain Significance.